The following is an entry in ClinVar:

ClinVar aggregate classification (germline): Pathogenic (1 of 4 stars; one submission).

Conditions:
Arrhythmogenic cardiomyopathy with wooly hair and keratoderma. Also called: Arrhythmogenic cardiomyopathy with woolly hair and keratoderma; PALMOPLANTAR KERATODERMA WITH LEFT VENTRICULAR CARDIOMYOPATHY AND WOOLLY HAIR; Dilated cardiomyopathy with woolly hair and keratoderma; Carvajal syndrome. Identifiers: Orphanet 65282, MedGen C1854063, MONDO:0011581, OMIM 605676.
Arrhythmogenic right ventricular dysplasia 8 (ARVD8). Also called: Arrhythmogenic Right Ventricular Dysplasia/Cardiomyopathy 8; ARRHYTHMOGENIC RIGHT VENTRICULAR CARDIOMYOPATHY 8; ARRHYTHMOGENIC RIGHT VENTRICULAR DYSPLASIA, FAMILIAL, 8. Identifiers: MedGen C1843896, MONDO:0011831, OMIM 607450.

Submission:

Labcorp Genetics (formerly Invitae), Labcorp
Classification: Pathogenic for Arrhythmogenic cardiomyopathy with wooly hair and keratoderma; Arrhythmogenic right ventricular dysplasia 8. Last evaluated: 2022-06-27. Review status: criteria provided, single submitter. Criteria: Invitae Variant Classification Sherloc (09022015). Collection method: clinical testing. Allele origin: germline.
Comment: For these reasons, this variant has been classified as Pathogenic. This variant disrupts a region of the DSP protein in which other variant(s) (p.Glu2728Glyfs*11) have been determined to be pathogenic (Invitae). This suggests that this is a clinically significant region of the protein, and that variants that disrupt it are likely to be disease-causing. This variant has not been reported in the literature in individuals affected with DSP-related conditions. This variant is not present in population databases (gnomAD no frequency). This sequence change creates a premature translational stop signal (p.Gly2666Alafs*14) in the DSP gene. While this is not anticipated to result in nonsense mediated decay, it is expected to disrupt the last 206 amino acid(s) of the DSP protein.

NM_004415.4(DSP):c.7997del (p.Gly2666fs)

Gene: DSP (desmoplakin; plus strand). Cytogenetic location: 6p24.3.
Variant type: Deletion.
Coding change: c.7997del on transcript NM_004415.4 (MANE Select); coding-DNA position 7997, one base deleted (G; older notation c.7997delG).
Protein change: p.Gly2666fs; shifts the reading frame from glycine 2666.
Molecular consequence: frameshift variant.
Genome position (GRCh38, 1-based): chr6:7,585,259, G deleted; the last of 3 consecutive G bases (chr6:7,585,257-7,585,259); deleting any one gives the same sequence. VCF-style (leftmost placement, unchanged base first): chr6-7585256-CG-C. GRCh37 (hg19) VCF-style: chr6-7585489-CG-C.
Other names: c.6200del, p.Gly2067fs (NM_001008844.3); c.6668del, p.Gly2223fs (NM_001319034.2); short protein forms G2223fs, G2067fs, G2666fs.
Identifiers: ClinVar variation 2087160 (VCV002087160.4), dbSNP rs2533949001, ClinGen allele CA2580075390.